The following is an entry in ClinVar:

NM_003200.5(TCF3):c.1168-2A>G

Gene: TCF3 (transcription factor 3; minus strand). Cytogenetic location: 19p13.3.
Variant type: single nucleotide variant.
Coding change: c.1168-2A>G on transcript NM_003200.5 (MANE Select); the canonical splice acceptor site of the intron before coding-DNA position 1168, A replaced by G.
Molecular consequence: splice acceptor variant. On other transcripts: intron variant (1).
Genome position (GRCh38, 1-based): chr19:1,619,476, T>C on the plus strand (A>G on the coding strand, the complement: TCF3 is on the minus strand). VCF-style: chr19-1619476-T-C. GRCh37 (hg19) VCF-style: chr19-1619475-T-C.
Other names: c.1168-5A>G (NM_001351778.2); c.1168-2A>G (NM_001136139.4, NM_001351779.2).
Identifiers: ClinVar variation 2799628 (VCV002799628.3), dbSNP rs772072192, ClinGen allele CA9049988.

ClinVar aggregate classification (germline): Likely pathogenic (1 of 4 stars; one submission).

Allele frequency attached by ClinVar (database versions not stated): ExAC 0.00001; TOPMed 0.00001.

Submission:

Labcorp Genetics (formerly Invitae), Labcorp
Classification: Likely pathogenic. Last evaluated: 2024-08-14. Review status: criteria provided, single submitter. Criteria: Invitae Variant Classification Sherloc (09022015). Collection method: clinical testing. Allele origin: germline.
Comment: This sequence change affects an acceptor splice site in intron 14 of the TCF3 gene. It is expected to disrupt RNA splicing. Variants that disrupt the donor or acceptor splice site typically lead to a loss of protein function (PMID: 16199547), and loss-of-function variants in TCF3 are known to be pathogenic (PMID: 24216514, 30063982, 37277074). This variant is not present in population databases (gnomAD no frequency). This variant has not been reported in the literature in individuals affected with TCF3-related conditions. Algorithms developed to predict the effect of sequence changes on RNA splicing suggest that this variant may disrupt the consensus splice site. In summary, the currently available evidence indicates that the variant is pathogenic, but additional data are needed to prove that conclusively. Therefore, this variant has been classified as Likely Pathogenic.

Literature cited by the submitters: PubMed 16199547; PubMed 24216514; PubMed 30063982; PubMed 37277074.